The following is an entry in ClinVar:

NM_001122955.4(BSCL2):c.509_513del (p.Tyr170fs)

Genes: BSCL2 (BSCL2 lipid droplet biogenesis associated, seipin; minus strand), HNRNPUL2-BSCL2 (HNRNPUL2-BSCL2 readthrough (NMD candidate); minus strand). Cytogenetic location: 11q12.3.
Variant type: Deletion.
Coding change: c.509_513del on transcript NM_001122955.4 (MANE Select); coding-DNA positions 509 to 513, 5 bases deleted (ATCGT; older notation c.509_513delATCGT).
Protein change: p.Tyr170fs; shifts the reading frame from tyrosine 170.
Molecular consequence: frameshift variant. On other transcripts: non-coding transcript variant (1).
Genome position (GRCh38, 1-based): chr11:62,694,685-62,694,689, ACGAT deleted on the plus strand (ATCGT on the coding strand, the reverse complement: BSCL2 is on the minus strand); deleting any 5 consecutive bases within chr11:62,694,685-62,694,692 gives the same sequence; the c. name uses the placement nearest the transcript's 3' end. VCF-style (leftmost placement, unchanged base first): chr11-62694684-CACGAT-C. GRCh37 (hg19) VCF-style: chr11-62462156-CACGAT-C.
Other names: c.317_321del, p.Tyr106fs (NM_001130702.2, NM_032667.6); c.509_513del, p.Tyr170fs (NM_001386027.1, NM_001386028.1); c.317_321delATCGT (NM_032667.6); short protein forms Y170fs, Y106fs.
Identifiers: ClinVar variation 4535 (VCV000004535.47), dbSNP rs587777608, ClinGen allele CA213090.

ClinVar aggregate classification (germline): Pathogenic/Likely pathogenic. Review status: criteria provided, multiple submitters, no conflicts (2 of 4 stars). 7 submissions from 6 submitters: Pathogenic (2); Likely pathogenic (1). 4 of the submissions do not count toward it. Last evaluated 2025-06-19.

Conditions:
Severe neurodegenerative syndrome with lipodystrophy. Also called: ENCEPHALOPATHY, PROGRESSIVE, WITH LIPODYSTROPHY; Encephalopathy, progressive, with or without lipodystrophy. Identifiers: Orphanet 363400, MedGen C4014700, MONDO:0014402, OMIM 615924.
Congenital generalized lipodystrophy type 2 (CGL2). Also called: BERARDINELLI SYNDROME; BRUNZELL SYNDROME, BSCL2-RELATED; SEIP SYNDROME; Berardinelli-Seip Congenital Lipodystrophy Type 2. Identifiers: Orphanet 528, Orphanet 696289, MedGen C1720863, MONDO:0010020, OMIM 269700.
Berardinelli-Seip congenital lipodystrophy. Identifiers: Orphanet 528, MedGen CN262437, MONDO:0018883.
Charcot-Marie-Tooth disease type 2. Also called: Charcot-Marie-Tooth type 2. Identifiers: Orphanet 64746, MedGen C0270914, MONDO:0018993.

Submissions (7):

First Genomix Gene Laboratory, Genetic Diagnostics Department
Classification: Likely pathogenic for Severe neurodegenerative syndrome with lipodystrophy; Congenital generalized lipodystrophy type 2. Last evaluated: 2025-06-19. Review status: criteria provided, single submitter. Criteria: ACMG Guidelines, 2015. Collection method: clinical testing. Allele origin: germline. Inheritance: Autosomal recessive inheritance. Affected: no. Observed: 1 variant allele.

Labcorp Genetics (formerly Invitae), Labcorp
Classification: Pathogenic for Charcot-Marie-Tooth disease type 2. Last evaluated: 2024-11-06. Review status: criteria provided, single submitter. Criteria: Invitae Variant Classification Sherloc (09022015). Collection method: clinical testing. Allele origin: germline.
Comment: This sequence change creates a premature translational stop signal (p.Tyr106Cysfs*6) in the BSCL2 gene. It is expected to result in an absent or disrupted protein product. Loss-of-function variants in BSCL2 are known to be pathogenic (PMID: 11479539, 23564749). This variant is not present in population databases (gnomAD no frequency). This premature translational stop signal has been observed in individual(s) with autosomal recessive BSCL2-related conditions (PMID: 11479539, 23564749). This variant is also known as 659delGTATC, F105fs, c.507_511del. ClinVar contains an entry for this variant (Variation ID: 4535). For these reasons, this variant has been classified as Pathogenic.

CeGaT Center for Human Genetics Tuebingen
Classification: Pathogenic. Last evaluated: 2019-04-01. Review status: criteria provided, single submitter. Criteria: CeGaT Center For Human Genetics Tuebingen Variant Classification Criteria Version 2. Collection method: clinical testing. Allele origin: germline. Affected: yes. Observed: 1 variant allele.

Inherited Neuropathy Consortium Ii, University Of Miami
Classification: Uncertain significance for Berardinelli-Seip congenital lipodystrophy. Last evaluated: 2016-01-06. Review status: no assertion criteria provided. Collection method: literature only. Allele origin: germline. Affected: yes. Not counted in ClinVar's aggregate classification.

OMIM
Classification: Pathogenic for ENCEPHALOPATHY, PROGRESSIVE, WITH LIPODYSTROPHY. Last evaluated: 2013-06-01. Review status: no assertion criteria provided. Collection method: literature only. Allele origin: germline. Not counted in ClinVar's aggregate classification.

OMIM
Classification: Pathogenic for LIPODYSTROPHY, CONGENITAL GENERALIZED, TYPE 2. Last evaluated: 2007-12-26. Review status: no assertion criteria provided. Collection method: literature only. Allele origin: germline. Not counted in ClinVar's aggregate classification.

GeneReviews
No classification provided. Condition: Congenital generalized lipodystrophy type 2. Review status: no classification provided. Collection method: literature only. Allele origin: germline. Affected: yes. Not counted in ClinVar's aggregate classification.

Literature cited by the submitters: PubMed 11479539 (cited by 3 submitters); PubMed 23564749 (cited by Labcorp Genetics (formerly Invitae), Labcorp and OMIM); PubMed 18093937 (cited by OMIM); NCBI Bookshelf NBK1212 (cited by GeneReviews).